The following is an entry in ClinVar:

ClinVar aggregate classification (germline): Uncertain significance (0 of 4 stars; one submission).

Conditions:
TANC2-related disorder. Also called: TANC2-related condition.

Submission:

PreventionGenetics, part of Exact Sciences
Classification: Uncertain significance for TANC2-related condition. Last evaluated: 2024-02-14. Review status: no assertion criteria provided. Collection method: clinical testing. Allele origin: germline.
Comment: The TANC2 c.4432A>T variant is predicted to result in the amino acid substitution p.Thr1478Ser. To our knowledge, this variant has not been reported in the literature or in a large population database, indicating this variant is rare. At this time, the clinical significance of this variant is uncertain due to the absence of conclusive functional and genetic evidence.

NM_001394998.1(TANC2):c.4684A>T (p.Thr1562Ser)

Gene: TANC2 (tetratricopeptide repeat, ankyrin repeat and coiled-coil containing 2; plus strand). Cytogenetic location: 17q23.3.
Variant type: single nucleotide variant.
Coding change: c.4684A>T on transcript NM_001394998.1 (MANE Select); coding-DNA position 4684, A replaced by T.
Protein change: p.Thr1562Ser; replaces threonine 1562 with serine.
Molecular consequence: missense variant.
Genome position (GRCh38, 1-based): chr17:63,420,414, A>T. VCF-style: chr17-63420414-A-T. GRCh37 (hg19) VCF-style: chr17-61497775-A-T.
Other names: c.4462A>T, p.Thr1488Ser (NM_001411076.1); c.4432A>T, p.Thr1478Ser (NM_025185.4); short protein forms T1478S, T1488S, T1562S.
Identifiers: ClinVar variation 3033552 (VCV003033552.2), dbSNP rs2048989943, ClinGen allele CA400541998.